The following is an entry in ClinVar:

ClinVar aggregate classification (germline): Uncertain significance. Review status: criteria provided, multiple submitters, no conflicts (2 of 4 stars). 2 submissions from 2 submitters: Uncertain significance (2). Last evaluated 2025-12-08.

Conditions:
Acrofacial dysostosis Cincinnati type. Identifiers: Orphanet 1200, MedGen C4225317, MONDO:0014651, OMIM 616462.
Inborn genetic diseases. Identifiers: MedGen C0950123, MeSH D030342.

gnomAD v4.1: 5 of 1,613,628 alleles (0.00031%); highest among the groups gnomAD compares: Admixed American, 0.0017%; no homozygotes.

Submissions (2):

Ambry Genetics
Classification: Uncertain significance for Inborn genetic diseases. Last evaluated: 2025-12-08. Review status: criteria provided, single submitter. Criteria: Ambry Variant Classification Scheme 2023. Collection method: clinical testing. Allele origin: germline.
Comment: The c.1504G>A (p.G502S) alteration is located in exon 12 (coding exon 12) of the POLR1A gene. This alteration results from a G to A substitution at nucleotide position 1504, causing the glycine (G) at amino acid position 502 to be replaced by a serine (S). Based on data from gnomAD, the A allele has an overall frequency of <0.001% (1/247998) total alleles studied. The highest observed frequency was 0.003% (1/34422) of Latino alleles. Based on insufficient or conflicting evidence, the clinical significance of this alteration remains unclear.

Revvity Omics, Revvity
Classification: Uncertain significance for Acrofacial dysostosis Cincinnati type. Last evaluated: 2024-02-23. Review status: criteria provided, single submitter. Criteria: ACMG Guidelines, 2015. Collection method: clinical testing. Allele origin: germline.

NM_015425.6(POLR1A):c.1504G>A (p.Gly502Ser)

Gene: POLR1A (RNA polymerase I subunit A; minus strand). Cytogenetic location: 2p11.2.
Variant type: single nucleotide variant.
Coding change: c.1504G>A on transcript NM_015425.6 (MANE Select); coding-DNA position 1504, G replaced by A.
Protein change: p.Gly502Ser; replaces glycine 502 with serine.
Molecular consequence: missense variant.
Genome position (GRCh38, 1-based): chr2:86,075,137, C>T on the plus strand (G>A on the coding strand, the complement: POLR1A is on the minus strand). VCF-style: chr2-86075137-C-T. GRCh37 (hg19) VCF-style: chr2-86302260-C-T.
Other names: c.1504G>A (NM_015425.3); short protein forms G502S.
Identifiers: ClinVar variation 4079771 (VCV004079771.2).